The following is an entry in ClinVar:

ClinVar aggregate classification (germline): Conflicting classifications of pathogenicity. Review status: criteria provided, conflicting classifications (1 of 4 stars). 5 submissions from 5 submitters: Uncertain significance (4); Likely benign (1). Last evaluated 2024-11-30.

Conditions:
ORC1-related disorder. Also called: ORC1-related condition.
Inborn genetic diseases. Identifiers: MedGen C0950123, MeSH D030342.

Allele frequency attached by ClinVar (database versions not stated): ExAC 0.00002; gnomAD 0.00004; gnomAD exomes 0.00005; TOPMed 0.00005.
gnomAD v4.1: 75 of 1,613,942 alleles (0.0046%); highest among the groups gnomAD compares: Middle Eastern, 0.066%; no homozygotes.

Submissions (5):

PreventionGenetics, part of Exact Sciences
Classification: Uncertain significance for ORC1-related condition. Last evaluated: 2024-11-30. Review status: criteria provided, single submitter. Criteria: ACMG Guidelines, 2015. Collection method: clinical testing. Allele origin: germline.
Comment: The ORC1 c.2294C>T variant is predicted to result in the amino acid substitution p.Thr765Met. To our knowledge, this variant has not been reported in the literature. This variant is reported in 0.019% of alleles in individuals of Ashkenazi Jewish descent in gnomAD. At this time, the clinical significance of this variant is uncertain due to the absence of conclusive functional and genetic evidence.

Labcorp Genetics (formerly Invitae), Labcorp
Classification: Uncertain significance. Last evaluated: 2024-10-12. Review status: criteria provided, single submitter. Criteria: Invitae Variant Classification Sherloc (09022015). Collection method: clinical testing. Allele origin: germline.
Comment: This sequence change replaces threonine, which is neutral and polar, with methionine, which is neutral and non-polar, at codon 765 of the ORC1 protein (p.Thr765Met). This variant is present in population databases (rs760741211, gnomAD 0.02%). This variant has not been reported in the literature in individuals affected with ORC1-related conditions. ClinVar contains an entry for this variant (Variation ID: 1396254). Invitae Evidence Modeling of protein sequence and biophysical properties (such as structural, functional, and spatial information, amino acid conservation, physicochemical variation, residue mobility, and thermodynamic stability) indicates that this missense variant is not expected to disrupt ORC1 protein function with a negative predictive value of 80%. In summary, the available evidence is currently insufficient to determine the role of this variant in disease. Therefore, it has been classified as a Variant of Uncertain Significance.

Blueprint Genetics
Classification: Uncertain significance. Last evaluated: 2024-08-30. Review status: criteria provided, single submitter. Criteria: ACMG Guidelines, 2015. Collection method: clinical testing. Allele origin: germline.

CeGaT Center for Human Genetics Tuebingen
Classification: Likely benign. Last evaluated: 2022-05-01. Review status: criteria provided, single submitter. Criteria: CeGaT Center For Human Genetics Tuebingen Variant Classification Criteria Version 2. Collection method: clinical testing. Allele origin: germline. Affected: yes. Observed: 1 variant allele.
Comment: ORC1: BP4

Ambry Genetics
Classification: Uncertain significance for Inborn genetic diseases. Last evaluated: 2021-06-18. Review status: criteria provided, single submitter. Criteria: Ambry Variant Classification Scheme 2023. Collection method: clinical testing. Allele origin: germline.

NM_004153.4(ORC1):c.2294C>T (p.Thr765Met)

Gene: ORC1 (origin recognition complex subunit 1; minus strand). Cytogenetic location: 1p32.3.
Variant type: single nucleotide variant.
Coding change: c.2294C>T on transcript NM_004153.4 (MANE Select); coding-DNA position 2294, C replaced by T.
Protein change: p.Thr765Met; replaces threonine 765 with methionine.
Molecular consequence: missense variant.
Genome position (GRCh38, 1-based): chr1:52,375,439, G>A on the plus strand (C>T on the coding strand, the complement: ORC1 is on the minus strand). VCF-style: chr1-52375439-G-A. GRCh37 (hg19) VCF-style: chr1-52841111-G-A.
Other names: c.2294C>T, p.Thr765Met (NM_001190818.2); c.2279C>T, p.Thr760Met (NM_001190819.2); c.2294C>T (NM_004153.3); short protein forms T760M, T765M.
Identifiers: ClinVar variation 1396254 (VCV001396254.32), dbSNP rs760741211, ClinGen allele CA853081.